The following is an entry in ClinVar:

NM_006073.4(TRDN):c.485-2A>T

Gene: TRDN (triadin; minus strand). Cytogenetic location: 6q22.31.
Variant type: single nucleotide variant.
Coding change: c.485-2A>T on transcript NM_006073.4 (MANE Select); the canonical splice acceptor site of the intron before coding-DNA position 485, A replaced by T.
Molecular consequence: splice acceptor variant.
Genome position (GRCh38, 1-based): chr6:123,516,208, T>A on the plus strand (A>T on the coding strand, the complement: TRDN is on the minus strand). VCF-style: chr6-123516208-T-A. GRCh37 (hg19) VCF-style: chr6-123837353-T-A.
Other names: c.485-2A>T (NM_001256020.2, NM_001256021.2, NM_001407315.1 and 1 more transcripts).
Identifiers: ClinVar variation 3721374 (VCV003721374.2).
Genomic context (GRCh38, chr6:123,516,208, plus strand): 5'-TTCAGGTTTTTCTTTTTCTCTTACTTTTTCTTTTCCTTTTTCTTTTTCTTTGTGTGTAAC[T>A]GAAAAGAAACAGATAAATAGTTTTCATTTAAATAACAGGAATAAATGAGGAGATGTTTGC-3'

ClinVar aggregate classification (germline): Likely pathogenic (1 of 4 stars; one submission).

Conditions:
Catecholaminergic polymorphic ventricular tachycardia 1. Also called: VENTRICULAR TACHYCARDIA, STRESS-INDUCED POLYMORPHIC 1; VENTRICULAR TACHYCARDIA, CATECHOLAMINERGIC POLYMORPHIC, 1, WITH OR WITHOUT ATRIAL DYSFUNCTION AND/OR DILATED CARDIOMYOPATHY; RYR2-Related Catecholaminergic Polymorphic Ventricular Tachycardia. Identifiers: Orphanet 3286, MedGen C1631597, MONDO:0011484, OMIM 604772.

Submission:

Labcorp Genetics (formerly Invitae), Labcorp
Classification: Likely pathogenic for Catecholaminergic polymorphic ventricular tachycardia 1. Last evaluated: 2024-09-23. Review status: criteria provided, single submitter. Criteria: Invitae Variant Classification Sherloc (09022015). Collection method: clinical testing. Allele origin: germline.
Comment: This sequence change affects an acceptor splice site in intron 5 of the TRDN gene. It is expected to disrupt RNA splicing. Variants that disrupt the donor or acceptor splice site typically lead to a loss of protein function (PMID: 16199547), and loss-of-function variants in TRDN are known to be pathogenic (PMID: 22422768, 25922419, 26200674, 30649896). This variant is not present in population databases (gnomAD no frequency). This variant has not been reported in the literature in individuals affected with TRDN-related conditions. Algorithms developed to predict the effect of sequence changes on RNA splicing suggest that this variant may disrupt the consensus splice site. In summary, the currently available evidence indicates that the variant is pathogenic, but additional data are needed to prove that conclusively. Therefore, this variant has been classified as Likely Pathogenic.

Literature cited by the submitters: PubMed 16199547; PubMed 22422768; PubMed 25922419; PubMed 26200674; PubMed 30649896.